The following is an entry in ClinVar:

NM_014043.4(CHMP2B):c.95G>A (p.Arg32Gln)

Gene: CHMP2B (charged multivesicular body protein 2B; plus strand). Cytogenetic location: 3p11.2.
Variant type: single nucleotide variant.
Coding change: c.95G>A on transcript NM_014043.4 (MANE Select); coding-DNA position 95, G replaced by A.
Protein change: p.Arg32Gln; replaces arginine 32 with glutamine.
Molecular consequence: missense variant. On other transcripts: intron variant (1).
Genome position (GRCh38, 1-based): chr3:87,240,759, G>A. VCF-style: chr3-87240759-G-A. GRCh37 (hg19) VCF-style: chr3-87289909-G-A.
Other names: c.191G>A, p.Arg64Gln (NM_001410777.1); c.4-4955G>A (NM_001244644.2); short protein forms R32Q, R64Q.
Identifiers: ClinVar variation 3763852 (VCV003763852.2).

ClinVar aggregate classification (germline): Uncertain significance (1 of 4 stars; one submission).

Conditions:
Frontotemporal dementia and/or amyotrophic lateral sclerosis 7 (FTDALS7). Also called: CHMP2B-Related Frontotemporal Dementia-Amyotrophic Lateral Sclerosis; AMYOTROPHIC LATERAL SCLEROSIS, CHMP2B-RELATED; Amyotrophic lateral sclerosis 17; CHMP2B-related frontotemporal dementia. Identifiers: Orphanet 275864, Orphanet 282, Orphanet 803, MedGen C1833296, MONDO:0010936, OMIM 600795.

gnomAD v4.1: 89 of 1,613,370 alleles (0.0055%); highest among the groups gnomAD compares: Non-Finnish European, 0.0074%; no homozygotes.

Submission:

Labcorp Genetics (formerly Invitae), Labcorp
Classification: Uncertain significance for Frontotemporal dementia and/or amyotrophic lateral sclerosis 7. Last evaluated: 2024-02-27. Review status: criteria provided, single submitter. Criteria: Invitae Variant Classification Sherloc (09022015). Collection method: clinical testing. Allele origin: germline.
Comment: This sequence change replaces arginine, which is basic and polar, with glutamine, which is neutral and polar, at codon 32 of the CHMP2B protein (p.Arg32Gln). This variant is present in population databases (rs374428152, gnomAD 0.004%). This missense change has been observed in individual(s) with frontotemporal dementia (PMID: 31914217). An algorithm developed to predict the effect of missense changes on protein structure and function (PolyPhen-2) suggests that this variant is likely to be tolerated. In summary, the available evidence is currently insufficient to determine the role of this variant in disease. Therefore, it has been classified as a Variant of Uncertain Significance.

Literature cited by the submitters: PubMed 31914217.